The following is an entry in ClinVar:

NM_001312909.2(FAM111A):c.832G>C (p.Ala278Pro)

Gene: FAM111A (FAM111 trypsin like peptidase A; plus strand). Cytogenetic location: 11q12.1.
Variant type: single nucleotide variant.
Coding change: c.832G>C on transcript NM_001312909.2 (MANE Select); coding-DNA position 832, G replaced by C.
Protein change: p.Ala278Pro; replaces alanine 278 with proline.
Molecular consequence: missense variant.
Genome position (GRCh38, 1-based): chr11:59,152,500, G>C. VCF-style: chr11-59152500-G-C. GRCh37 (hg19) VCF-style: chr11-58919973-G-C.
Other names: c.832G>C, p.Ala278Pro (NM_001142519.3, NM_001142520.3, NM_001142521.3 and 29 more transcripts); short protein forms A278P.
Identifiers: ClinVar variation 2014628 (VCV002014628.4), dbSNP rs764421917, ClinGen allele CA6016656.
Genomic context (GRCh38, chr11:59,152,500, plus strand): 5'-GAATTAGAAGGCAGATACTTTCAGGTTGAGGTTGAGAAAAGAATGGTCCCCAGTGCAGCA[G>C]CTTCTCAGAATCCTGAGTCAGAGAAAAGAAACACCTGTGTGTTGAGAGAACAAATCGTGG-3'
Protein context (NP_001299838.1, residues 268-288): VEKRMVPSAA[Ala278Pro]SQNPESEKRN

ClinVar aggregate classification (germline): Uncertain significance (1 of 4 stars; one submission).

Allele frequency attached by ClinVar (database versions not stated): gnomAD 0.00001; ExAC 0.00002.
gnomAD v4.1: 5 of 1,614,004 alleles (0.00031%); highest among the groups gnomAD compares: Non-Finnish European, 0.00042%; no homozygotes.

Submission:

Labcorp Genetics (formerly Invitae), Labcorp
Classification: Uncertain significance. Last evaluated: 2026-01-19. Review status: criteria provided, single submitter. Criteria: Invitae Variant Classification Sherloc (09022015). Collection method: clinical testing. Allele origin: germline.
Comment: This sequence change replaces alanine, which is neutral and non-polar, with proline, which is neutral and non-polar, at codon 278 of the FAM111A protein (p.Ala278Pro). This variant is present in population databases (rs764421917, gnomAD 0.0009%). This variant has not been reported in the literature in individuals affected with FAM111A-related conditions. ClinVar contains an entry for this variant (Variation ID: 2014628). Invitae Evidence Modeling of protein sequence and biophysical properties (such as structural, functional, and spatial information, amino acid conservation, physicochemical variation, residue mobility, and thermodynamic stability) has been performed for this missense variant. However, the output from this modeling did not meet the statistical confidence thresholds required to predict the impact of this variant on FAM111A protein function. In summary, the available evidence is currently insufficient to determine the role of this variant in disease. Therefore, it has been classified as a Variant of Uncertain Significance.